The following is an entry in ClinVar:

NM_024675.4(PALB2):c.3313dup (p.Val1105fs)

Gene: PALB2 (partner and localizer of BRCA2; minus strand). Cytogenetic location: 16p12.2.
Variant type: Duplication.
Coding change: c.3313dup on transcript NM_024675.4 (MANE Select); coding-DNA position 3313, one base duplicated (G; older notation c.3313dupG).
Protein change: p.Val1105fs; shifts the reading frame from valine 1105.
Molecular consequence: frameshift variant.
Genome position (GRCh38, 1-based): chr16:23,607,901, C duplicated on the plus strand (G on the coding strand, the reverse complement: PALB2 is on the minus strand). VCF-style (leftmost placement, unchanged base first): chr16-23607900-A-AC. GRCh37 (hg19) VCF-style: chr16-23619221-A-AC.
Other names: c.3253dup, p.Val1085Glyfs (NM_001407296.1); c.3241dup, p.Val1081Glyfs (NM_001407297.1); c.3151dup, p.Val1051Glyfs (NM_001407298.1); c.3034dup, p.Val1012Glyfs (NM_001407300.1); c.2428dup, p.Val810Glyfs (NM_001407304.1, NM_001407305.1, NM_001407306.1); c.2266dup, p.Val756Glyfs (NM_001407307.1); c.1525dup, p.Val509Glyfs (NM_001407312.1); c.847dup, p.Val283Glyfs (NM_001407314.1); short protein forms V1105fs.
Identifiers: ClinVar variation 2431285 (VCV002431285.1), dbSNP rs2506214645, ClinGen allele CA2580091265.

ClinVar aggregate classification (germline): Pathogenic (1 of 4 stars; one submission).

Conditions:
Familial cancer of breast. Also called: Hereditary breast cancer; BREAST CANCER, FAMILIAL; hereditary breast carcinoma. Identifiers: Orphanet 227535, MedGen C0346153, MONDO:0016419, OMIM 114480. Disease mechanism: loss of function.

Submission:

Myriad Genetics, Inc.
Classification: Pathogenic for Familial cancer of breast. Last evaluated: 2023-01-12. Review status: criteria provided, single submitter. Criteria: Myriad Autosomal Dominant, Autosomal Recessive and X-Linked Classification Criteria (2023). Collection method: clinical testing. Allele origin: unknown.
Comment: This variant is considered pathogenic. This variant creates a frameshift predicted to result in premature protein truncation.